The following is an entry in ClinVar:

NM_003000.3(SDHB):c.528G>A (p.Glu176=)

Gene: SDHB (succinate dehydrogenase complex iron sulfur subunit B; minus strand). Cytogenetic location: 1p36.13.
Variant type: single nucleotide variant.
Coding change: c.528G>A on transcript NM_003000.3 (MANE Select); coding-DNA position 528, G replaced by A.
Protein change: p.Glu176=; no amino-acid change (glutamic acid 176 retained).
Molecular consequence: synonymous variant.
Genome position (GRCh38, 1-based): chr1:17,027,761, C>T on the plus strand (G>A on the coding strand, the complement: SDHB is on the minus strand). VCF-style: chr1-17027761-C-T. GRCh37 (hg19) VCF-style: chr1-17354256-C-T.
Other names: c.474G>A, p.Glu158= (NM_001407361.1).
Identifiers: ClinVar variation 2935216 (VCV002935216.3), dbSNP rs2525017452, ClinGen allele CA416085696.
Genomic context (GRCh38, chr1:17,027,761, plus strand): 5'-CTTTGCAATAAATTCTTCAGATTGAAACAATAAATAGGGACTAATGACCAGTTTCTCACG[C>T]TCTTCTATGGACTGCAGATACTGCTGCTTGCCTTCCTGAGATTCATCCTTCTTCTTCAAA-3'
Protein context (NP_002991.2, residues 166-186): GKQQYLQSIE[Glu176=]REKLDGLYEC

ClinVar aggregate classification (germline): Uncertain significance (1 of 4 stars; one submission).

Conditions:
Pheochromocytoma. Also called: MAX-Related Hereditary Paraganglioma-Pheochromocytoma Syndrome. Identifiers: Orphanet 29072, MedGen C0031511, MONDO:0008233, OMIM 171300, HP:0002666.
Gastrointestinal stromal tumor. Also called: Gastrointestinal stromal tumor, somatic; Gastrointestinal stroma tumor. Identifiers: Orphanet 44890, MedGen C0238198, MeSH D046152, MONDO:0011719, OMIM 606764, HP:0100723.
Pheochromocytoma/paraganglioma syndrome 4. Also called: CAROTID BODY TUMORS AND MULTIPLE EXTRAADRENAL PHEOCHROMOCYTOMAS; PARAGANGLIOMA, FAMILIAL MALIGNANT; PARAGANGLIOMAS, HEREDITARY EXTRAADRENAL; PHEOCHROMOCYTOMA, FAMILIAL EXTRAADRENAL; Paragangliomas 4; SDHB-Related Hereditary Paraganglioma-Pheochromocytoma Syndrome (Paragangliomas 4). Identifiers: Orphanet 29072, MedGen C1861848, MONDO:0007273, OMIM 115310.

Submission:

Labcorp Genetics (formerly Invitae), Labcorp
Classification: Uncertain significance for Gastrointestinal stromal tumor; Pheochromocytoma/paraganglioma syndrome 4; Pheochromocytoma. Last evaluated: 2023-02-27. Review status: criteria provided, single submitter. Criteria: Invitae Variant Classification Sherloc (09022015). Collection method: clinical testing. Allele origin: germline.
Comment: Algorithms developed to predict the effect of sequence changes on RNA splicing suggest that this variant may create or strengthen a splice site. This sequence change affects codon 176 of the SDHB mRNA. It is a 'silent' change, meaning that it does not change the encoded amino acid sequence of the SDHB protein. This variant is not present in population databases (gnomAD no frequency). This variant has not been reported in the literature in individuals affected with SDHB-related conditions. In summary, the available evidence is currently insufficient to determine the role of this variant in disease. Therefore, it has been classified as a Variant of Uncertain Significance.